The following is an entry in ClinVar:

ClinVar aggregate classification (germline): Uncertain significance (1 of 4 stars; one submission).

Conditions:
Hereditary cancer-predisposing syndrome. Also called: Neoplastic Syndromes, Hereditary; Tumor predisposition; Hereditary Cancer Syndrome; Hereditary neoplastic syndrome. Identifiers: Orphanet 140162, MedGen C0027672, MeSH D009386, MONDO:0015356.

Submission:

Ambry Genetics
Classification: Uncertain significance for Hereditary cancer-predisposing syndrome. Last evaluated: 2021-03-23. Review status: criteria provided, single submitter. Criteria: Ambry Variant Classification Scheme 2023. Collection method: clinical testing. Allele origin: germline.
Comment: The p.D254E variant (also known as c.762C>A), located in coding exon 9 of the RAD51D gene, results from a C to A substitution at nucleotide position 762. The aspartic acid at codon 254 is replaced by glutamic acid, an amino acid with highly similar properties. This amino acid position is highly conserved in available vertebrate species. In addition, this alteration is predicted to be tolerated by in silico analysis. Since supporting evidence is limited at this time, the clinical significance of this alteration remains unclear.

NM_002878.4(RAD51D):c.762C>A (p.Asp254Glu)

Genes: RAD51L3-RFFL (RAD51L3-RFFL readthrough; minus strand), RAD51D (RAD51 paralog D; minus strand). Cytogenetic location: 17q12.
Variant type: single nucleotide variant.
Coding change: c.762C>A on transcript NM_002878.4 (MANE Select); coding-DNA position 762, C replaced by A.
Protein change: p.Asp254Glu; replaces aspartic acid 254 with glutamic acid.
Molecular consequence: missense variant. On other transcripts: non-coding transcript variant (3).
Genome position (GRCh38, 1-based): chr17:35,101,342, G>T on the plus strand (C>A on the coding strand, the complement: RAD51D is on the minus strand). VCF-style: chr17-35101342-G-T. GRCh37 (hg19) VCF-style: chr17-33428361-G-T.
Other names: c.822C>A, p.Asp274Glu (NM_001142571.2); c.426C>A, p.Asp142Glu (NM_133629.3); short protein forms D142E, D274E, D254E.
Identifiers: ClinVar variation 1759873 (VCV001759873.2), dbSNP rs2142412351, ClinGen allele CA399086949.